The following is an entry in ClinVar:

NM_001082486.2(ACD):c.452G>A (p.Cys151Tyr)

Gene: ACD (ACD shelterin complex subunit and telomerase recruitment factor; minus strand). Cytogenetic location: 16q22.1.
Variant type: single nucleotide variant.
Coding change: c.452G>A on transcript NM_001082486.2 (MANE Select); coding-DNA position 452, G replaced by A.
Protein change: p.Cys151Tyr; replaces cysteine 151 with tyrosine.
Molecular consequence: missense variant.
Genome position (GRCh38, 1-based): chr16:67,659,381, C>T on the plus strand (G>A on the coding strand, the complement: ACD is on the minus strand). VCF-style: chr16-67659381-C-T. GRCh37 (hg19) VCF-style: chr16-67693284-C-T.
Other names: c.452G>A, p.Cys151Tyr (NM_001410884.1); c.443G>A, p.Cys148Tyr (NM_022914.3); short protein forms C148Y, C151Y.
Identifiers: ClinVar variation 1757217 (VCV001757217.2), dbSNP rs1310303692, ClinGen allele CA396354765.
Genomic context (GRCh38, chr16:67,659,381, plus strand): 5'-ACACCATCCCCTCACCAAACAACACGTGGCCCCCGAGCCCAACCCCAGACTCACTCAAGG[C>T]AGTCATAGAGCTTTTTCTGAACATCTAAGTCTTGGTTGCTAAGAAAAAGAGAAGGGTAGT-3'
Protein context (NP_001075955.2, residues 141-161): DLDVQKKLYD[Cys151Tyr]LEEHLSESTS

ClinVar aggregate classification (germline): Uncertain significance (1 of 4 stars; one submission).

Conditions:
Inborn genetic diseases. Identifiers: MedGen C0950123, MeSH D030342.

Submission:

Ambry Genetics
Classification: Uncertain significance for Inborn genetic diseases. Last evaluated: 2022-08-24. Review status: criteria provided, single submitter. Criteria: Ambry Variant Classification Scheme 2023. Collection method: clinical testing. Allele origin: germline.
Comment: The p.C237Y variant (also known as c.710G>A), located in coding exon 5 of the ACD gene, results from a G to A substitution at nucleotide position 710. The cysteine at codon 237 is replaced by tyrosine, an amino acid with highly dissimilar properties. This amino acid position is conserved. In addition, this alteration is predicted to be tolerated by in silico analysis. Since supporting evidence is limited at this time, the clinical significance of this alteration remains unclear.